The following is an entry in ClinVar:

ClinVar aggregate classification (germline): Uncertain significance. Review status: criteria provided, multiple submitters, no conflicts (2 of 4 stars). 2 submissions from 2 submitters: Uncertain significance (2). Last evaluated 2025-08-15.

Conditions:
Gastrointestinal stromal tumor. Also called: Gastrointestinal stromal tumor, somatic; Gastrointestinal stroma tumor. Identifiers: Orphanet 44890, MedGen C0238198, MeSH D046152, MONDO:0011719, OMIM 606764, HP:0100723.
Hereditary cancer-predisposing syndrome. Also called: Hereditary neoplastic syndrome; Neoplastic Syndromes, Hereditary; Hereditary Cancer Syndrome; Tumor predisposition. Identifiers: Orphanet 140162, MedGen C0027672, MeSH D009386, MONDO:0015356.

Submissions (2):

Labcorp Genetics (formerly Invitae), Labcorp
Classification: Uncertain significance for Gastrointestinal stromal tumor. Last evaluated: 2025-08-15. Review status: criteria provided, single submitter. Criteria: Invitae Variant Classification Sherloc (09022015). Collection method: clinical testing. Allele origin: germline.
Comment: This sequence change replaces alanine, which is neutral and non-polar, with glycine, which is neutral and non-polar, at codon 1014 of the PDGFRA protein (p.Ala1014Gly). Information on the frequency of this variant in the gnomAD database is not available, as this variant may be reported differently in the database. This variant has not been reported in the literature in individuals affected with PDGFRA-related conditions. ClinVar contains an entry for this variant (Variation ID: 963739). An algorithm developed to predict the effect of missense changes on protein structure and function (PolyPhen-2) suggests that this variant is likely to be disruptive. In summary, the available evidence is currently insufficient to determine the role of this variant in disease. Therefore, it has been classified as a Variant of Uncertain Significance.

Ambry Genetics
Classification: Uncertain significance for Hereditary cancer-predisposing syndrome. Last evaluated: 2025-01-20. Review status: criteria provided, single submitter. Criteria: Ambry Variant Classification Scheme 2023. Collection method: clinical testing. Allele origin: germline.
Comment: The c.3041_3042delCTinsGG variant, located in coding exon 21 of the PDGFRA gene, results from an in-frame deletion of CT and insertion of GG at nucleotide positions 3041 to 3042. This results in the substitution of the alanine residue for a glycine residue at codon 1014, an amino acid with similar properties. This amino acid position is not well conserved in available vertebrate species. In addition, this alteration is predicted to be neutral by in silico analysis (Choi Y et al. PLoS ONE. 2012; 7(10):e46688). Based on the available evidence, the clinical significance of this variant remains unclear.

NM_006206.6(PDGFRA):c.3041_3042delinsGG (p.Ala1014Gly)

Gene: PDGFRA (platelet derived growth factor receptor alpha; plus strand). Cytogenetic location: 4q12.
Variant type: Indel.
Coding change: c.3041_3042delinsGG on transcript NM_006206.6 (MANE Select); coding-DNA positions 3041 to 3042, CT replaced by GG.
Protein change: p.Ala1014Gly; replaces alanine 1014 with glycine.
Molecular consequence: missense variant.
Genome position (GRCh38, 1-based): chr4:54,290,473-54,290,474, CT replaced by GG. VCF-style: chr4-54290473-CT-GG. GRCh37 (hg19) VCF-style: chr4-55156640-CT-GG.
Other names: c.3116_3117delinsGG, p.Ala1039Gly (NM_001347828.2); c.3041_3042delinsGG, p.Ala1014Gly (NM_001347829.2); c.3080_3081delinsGG, p.Ala1027Gly (NM_001347830.2); c.3041_3042delCTinsGG (NM_006206.4); short protein forms A1027G, A1039G, A1014G.
Identifiers: ClinVar variation 963739 (VCV000963739.9), dbSNP rs1724573260, ClinGen allele CA1139658489.
Genomic context (GRCh38, chr4:54,290,473, plus strand): 5'-AAAACGAGGAAGACAAGCTGAAGGACTGGGAGGGTGGTCTGGATGAGCAGAGACTGAGCG[CT>GG]GACAGTGGCTACATCATTCCTCTGCCTGACATTGACCCTGTCCCTGAGGAGGAGGACCTG-3'
Protein context (NP_006197.1, residues 1004-1024): EGGLDEQRLS[Ala1014Gly]DSGYIIPLPD